The following is an entry in ClinVar:

NM_032119.4(ADGRV1):c.8730+9_8730+10del

Gene: ADGRV1 (adhesion G protein-coupled receptor V1; plus strand). Cytogenetic location: 5q14.3.
Variant type: Microsatellite.
Coding change: c.8730+9_8730+10del on transcript NM_032119.4 (MANE Select); bases 9 to 10 of the intron after coding-DNA position 8730, 2 bases deleted (CT; older notation c.8730+9_8730+10delCT).
Molecular consequence: intron variant.
Genome position (GRCh38, 1-based): chr5:90,706,403-90,706,404, CT deleted; deleting any 2 consecutive bases within chr5:90,706,401-90,706,404 gives the same sequence; the c. name uses the placement nearest the transcript's 3' end. VCF-style (leftmost placement, unchanged base first): chr5-90706400-ACT-A. GRCh37 (hg19) VCF-style: chr5-90002217-ACT-A.
Other names: c.8730+9_8730+10delCT (NM_032119.3).
Identifiers: ClinVar variation 46398 (VCV000046398.24), dbSNP rs780180737, ClinGen allele CA138258.
Genomic context (GRCh38, chr5:90,706,400, plus strand): 5'-TCTGATTTTAGAAGAAGGGGAAACAGCAGCAGCCATCAACATTACCATTCTTGAGGTAAA[ACT>A]CTTTTTTTTTTTTAATCTTAGGGGGAGATAGTTTAATAAGTTTTTTTTATTATACTTTAA-3'

ClinVar aggregate classification (germline): Conflicting classifications of pathogenicity. Review status: criteria provided, conflicting classifications (1 of 4 stars). 6 submissions from 6 submitters: Uncertain significance (1); Benign (4). 1 of the submissions does not count toward it. Last evaluated 2026-02-04.

Conditions:
ADGRV1-related disorder. Also called: ADGRV1-related condition; ADGRV1-related disorders.

Submissions (6):

Labcorp Genetics (formerly Invitae), Labcorp
Classification: Benign. Last evaluated: 2026-02-04. Review status: criteria provided, single submitter. Criteria: Invitae Variant Classification Sherloc (09022015). Collection method: clinical testing. Allele origin: germline.

GeneDx
Classification: Benign. Last evaluated: 2021-03-18. Review status: criteria provided, single submitter. Criteria: GeneDx Variant Classification Process June 2021. Collection method: clinical testing. Allele origin: germline. Affected: yes.

Athena Diagnostics
Classification: Benign. Last evaluated: 2018-03-05. Review status: criteria provided, single submitter. Criteria: Athena Diagnostics Criteria. Collection method: clinical testing. Allele origin: germline.

Eurofins Ntd Llc (ga)
Classification: Uncertain significance. Last evaluated: 2016-04-12. Review status: criteria provided, single submitter. Criteria: EGL Classification Definitions 2015. Collection method: clinical testing. Allele origin: germline. Observed: 2 variant alleles, 1 heterozygote.

Laboratory for Molecular Medicine, Mass General Brigham Personalized Medicine
Classification: Benign. Last evaluated: 2012-07-23. Review status: criteria provided, single submitter. Criteria: LMM Criteria. Collection method: clinical testing. Allele origin: germline. Observed: 3 variant alleles.

PreventionGenetics, part of Exact Sciences
Classification: Benign for ADGRV1-related condition. Last evaluated: 2019-06-21. Review status: no assertion criteria provided. Collection method: clinical testing. Allele origin: germline. Not counted in ClinVar's aggregate classification.
Comment: This variant is classified as benign based on ACMG/AMP sequence variant interpretation guidelines (Richards et al. 2015 PMID: 25741868, with internal and published modifications).